The following is an entry in ClinVar:

ClinVar aggregate classification (germline): Likely benign (1 of 4 stars; one submission).

gnomAD v4.1: 2 of 1,614,132 alleles (0.00012%); highest among the groups gnomAD compares: Non-Finnish European, 0.00017%; no homozygotes.

Submission:

CeGaT Center for Human Genetics Tuebingen
Classification: Likely benign. Last evaluated: 2025-03-01. Review status: criteria provided, single submitter. Criteria: CeGaT Center For Human Genetics Tuebingen Variant Classification Criteria Version 2. Collection method: clinical testing. Allele origin: germline. Affected: yes. Observed: 1 variant allele.
Comment: SPTAN1: BP4, BP7

NM_001130438.3(SPTAN1):c.2961C>T (p.Thr987=)

Gene: SPTAN1 (spectrin alpha, non-erythrocytic 1; plus strand). Cytogenetic location: 9q34.11.
Variant type: single nucleotide variant.
Coding change: c.2961C>T on transcript NM_001130438.3 (MANE Select); coding-DNA position 2961, C replaced by T.
Protein change: p.Thr987=; no amino-acid change (threonine 987 retained).
Molecular consequence: synonymous variant.
Genome position (GRCh38, 1-based): chr9:128,588,898, C>T. VCF-style: chr9-128588898-C-T. GRCh37 (hg19) VCF-style: chr9-131351177-C-T.
Other names: c.2961C>T, p.Thr987= (NM_001195532.2, NM_001363759.2, NM_001363765.2 and 5 more transcripts); c.2997C>T, p.Thr999= (NM_001375312.2, NM_001375318.1).
Identifiers: ClinVar variation 3778495 (VCV003778495.7).